The following is an entry in ClinVar:

ClinVar aggregate classification (germline): Uncertain significance (1 of 4 stars; one submission).

Conditions:
RASopathy. Also called: rasopathies; Noonan spectrum disorder. Identifiers: Orphanet 536391, MedGen C5555857, MONDO:0021060.

gnomAD v4.1: 1 of 1,613,738 alleles (0.000062%); no homozygotes.

Submission:

Labcorp Genetics (formerly Invitae), Labcorp
Classification: Uncertain significance for RASopathy. Last evaluated: 2025-03-28. Review status: criteria provided, single submitter. Criteria: Invitae Variant Classification Sherloc (09022015). Collection method: clinical testing. Allele origin: germline.
Comment: This sequence change replaces phenylalanine, which is neutral and non-polar, with leucine, which is neutral and non-polar, at codon 133 of the CBL protein (p.Phe133Leu). This variant is not present in population databases (gnomAD no frequency). This variant has not been reported in the literature in individuals affected with CBL-related conditions. Invitae Evidence Modeling of protein sequence and biophysical properties (such as structural, functional, and spatial information, amino acid conservation, physicochemical variation, residue mobility, and thermodynamic stability) has been performed for this missense variant. However, the output from this modeling did not meet the statistical confidence thresholds required to predict the impact of this variant on CBL protein function. In summary, the available evidence is currently insufficient to determine the role of this variant in disease. Therefore, it has been classified as a Variant of Uncertain Significance.

NM_005188.4(CBL):c.399C>G (p.Phe133Leu)

Gene: CBL (Cbl proto-oncogene; plus strand). Cytogenetic location: 11q23.3.
Variant type: single nucleotide variant.
Coding change: c.399C>G on transcript NM_005188.4 (MANE Select); coding-DNA position 399, C replaced by G.
Protein change: p.Phe133Leu; replaces phenylalanine 133 with leucine.
Molecular consequence: missense variant.
Genome position (GRCh38, 1-based): chr11:119,232,651, C>G. VCF-style: chr11-119232651-C-G. GRCh37 (hg19) VCF-style: chr11-119103361-C-G.
Other names: short protein forms F133L.
Identifiers: ClinVar variation 4761865 (VCV004761865.1).